The following is an entry in ClinVar:

ClinVar aggregate classification (germline): Uncertain significance. Review status: criteria provided, multiple submitters, no conflicts (2 of 4 stars). 2 submissions from 2 submitters: Uncertain significance (2). Last evaluated 2026-06-09.

Conditions:
Inborn genetic diseases. Identifiers: MedGen C0950123, MeSH D030342.

gnomAD v4.1: 1 of 1,609,508 alleles (0.000062%); highest among the groups gnomAD compares: Non-Finnish European, 0.000085%; no homozygotes.

Submissions (2):

Ambry Genetics
Classification: Uncertain significance for Inborn genetic diseases. Last evaluated: 2026-06-09. Review status: criteria provided, single submitter. Criteria: Ambry Variant Classification Scheme 2023. Collection method: clinical testing. Allele origin: germline.

Labcorp Genetics (formerly Invitae), Labcorp
Classification: Uncertain significance. Last evaluated: 2025-05-12. Review status: criteria provided, single submitter. Criteria: Invitae Variant Classification Sherloc (09022015). Collection method: clinical testing. Allele origin: germline.
Comment: This sequence change replaces glutamic acid, which is acidic and polar, with glycine, which is neutral and non-polar, at codon 45 of the MYO7A protein (p.Glu45Gly). This variant is not present in population databases (gnomAD no frequency). This variant has not been reported in the literature in individuals affected with MYO7A-related conditions. ClinVar contains an entry for this variant (Variation ID: 3704297). An algorithm developed to predict the effect of missense changes on protein structure and function (PolyPhen-2) suggests that this variant is likely to be disruptive. In summary, the available evidence is currently insufficient to determine the role of this variant in disease. Therefore, it has been classified as a Variant of Uncertain Significance.

NM_000260.4(MYO7A):c.134A>G (p.Glu45Gly)

Gene: MYO7A (myosin VIIA; plus strand). Cytogenetic location: 11q13.5.
Variant type: single nucleotide variant.
Coding change: c.134A>G on transcript NM_000260.4 (MANE Select); coding-DNA position 134, A replaced by G.
Protein change: p.Glu45Gly; replaces glutamic acid 45 with glycine.
Molecular consequence: missense variant.
Genome position (GRCh38, 1-based): chr11:77,147,799, A>G. VCF-style: chr11-77147799-A-G. GRCh37 (hg19) VCF-style: chr11-76858845-A-G.
Other names: c.134A>G (NM_000260.3); c.134A>G, p.Glu45Gly (NM_001127180.2); c.101A>G, p.Glu34Gly (NM_001369365.1); short protein forms E45G, E34G.
Identifiers: ClinVar variation 3704297 (VCV003704297.3).